The following is an entry in ClinVar:

NM_006445.4(PRPF8):c.1393A>G (p.Lys465Glu)

Gene: PRPF8 (pre-mRNA processing factor 8; minus strand). Cytogenetic location: 17p13.3.
Variant type: single nucleotide variant.
Coding change: c.1393A>G on transcript NM_006445.4 (MANE Select); coding-DNA position 1393, A replaced by G.
Protein change: p.Lys465Glu; replaces lysine 465 with glutamic acid.
Molecular consequence: missense variant.
Genome position (GRCh38, 1-based): chr17:1,679,307, T>C on the plus strand (A>G on the coding strand, the complement: PRPF8 is on the minus strand). VCF-style: chr17-1679307-T-C. GRCh37 (hg19) VCF-style: chr17-1582601-T-C.
Other names: short protein forms K465E.
Identifiers: ClinVar variation 1037910 (VCV001037910.6), dbSNP rs1476803040, ClinGen allele CA397561857.

ClinVar aggregate classification (germline): Uncertain significance. Review status: criteria provided, multiple submitters, no conflicts (2 of 4 stars). 2 submissions from 2 submitters: Uncertain significance (2). Last evaluated 2023-08-23.

Conditions:
Retinitis pigmentosa 13 (RP13). Also called: PRPF 8-Related Retinitis Pigmentosa. Identifiers: Orphanet 791, MedGen C1838702, MONDO:0010806, OMIM 600059.

Allele frequency attached by ClinVar (database versions not stated): gnomAD exomes below 0.00001.
gnomAD v4.1: 2 of 1,614,098 alleles (0.00012%); highest among the groups gnomAD compares: Admixed American, 0.0017%; no homozygotes.

Submissions (2):

3billion
Classification: Uncertain significance for Retinitis pigmentosa 13. Last evaluated: 2023-08-23. Review status: criteria provided, single submitter. Criteria: ACMG Guidelines, 2015. Collection method: clinical testing. Allele origin: germline. Affected: yes.
Comment: The variant is observed at an extremely low frequency in the gnomAD v2.1.1 dataset (total allele frequency: 0.000%). Predicted Consequence/Location: Missense changes are a common disease-causing mechanism. In silico tool predictions suggest damaging effect of the variant on gene or gene product [REVEL: 0.81 (>=0.6, sensitivity 0.68 and specificity 0.92)]. Therefore, this variant is classified as VUS according to the recommendation of ACMG/AMP guideline.

Labcorp Genetics (formerly Invitae), Labcorp
Classification: Uncertain significance. Last evaluated: 2022-10-24. Review status: criteria provided, single submitter. Criteria: Invitae Variant Classification Sherloc (09022015). Collection method: clinical testing. Allele origin: germline.
Comment: This sequence change replaces lysine, which is basic and polar, with glutamic acid, which is acidic and polar, at codon 465 of the PRPF8 protein (p.Lys465Glu). This variant is present in population databases (no rsID available, gnomAD 0.003%). This missense change has been observed in individual(s) with clinical features of PRPF8-related conditions (Invitae). ClinVar contains an entry for this variant (Variation ID: 1037910). Advanced modeling of protein sequence and biophysical properties (such as structural, functional, and spatial information, amino acid conservation, physicochemical variation, residue mobility, and thermodynamic stability) has been performed at Invitae for this missense variant, however the output from this modeling did not meet the statistical confidence thresholds required to predict the impact of this variant on PRPF8 protein function. In summary, the available evidence is currently insufficient to determine the role of this variant in disease. Therefore, it has been classified as a Variant of Uncertain Significance.